The following is an entry in ClinVar:

NM_002474.3(MYH11):c.3289G>A (p.Ala1097Thr)

Gene: MYH11 (myosin heavy chain 11; minus strand). Cytogenetic location: 16p13.11.
Variant type: single nucleotide variant.
Coding change: c.3289G>A on transcript NM_002474.3 (MANE Select); coding-DNA position 3289, G replaced by A.
Protein change: p.Ala1097Thr; replaces alanine 1097 with threonine.
Molecular consequence: missense variant.
Genome position (GRCh38, 1-based): chr16:15,737,453, C>T on the plus strand (G>A on the coding strand, the complement: MYH11 is on the minus strand). VCF-style: chr16-15737453-C-T. GRCh37 (hg19) VCF-style: chr16-15831310-C-T.
Other names: c.3310G>A, p.Ala1104Thr (NM_001040113.2, NM_001040114.2); c.3289G>A, p.Ala1097Thr (NM_022844.3); short protein forms A1104T, A1097T.
Identifiers: ClinVar variation 3297356 (VCV003297356.10).
Genomic context (GRCh38, chr16:15,737,453, plus strand): 5'-CAGGGGCCCAGGGGATACATGGACACACAGCAAATGCCCCTTGCCAGCCCCGCTACCTGG[C>T]CAGGGCCGCCTGCAGCTCCTCCTCCTTCTTGGCCAGCTGCATCTTGAGCTCTGCGATCTG-3'
Protein context (NP_002465.1, residues 1087-1107): KKEEELQAAL[Ala1097Thr]RLDDEIAQKN

ClinVar aggregate classification (germline): Conflicting classifications of pathogenicity. Review status: criteria provided, conflicting classifications (1 of 4 stars). 4 submissions from 4 submitters: Uncertain significance (3); Likely benign (1). Last evaluated 2025-06-11.

Conditions:
Familial thoracic aortic aneurysm and aortic dissection (TAAD). Also called: Thoracic aortic aneurysms and dissections. Identifiers: Orphanet 91387, MedGen C4707243, MONDO:0019625.

gnomAD v4.1: 5 of 1,612,282 alleles (0.00031%); highest among the groups gnomAD compares: African/African-American, 0.0027%; no homozygotes.

Submissions (4):

Color Diagnostics, LLC DBA Color Health
Classification: Likely benign for Familial thoracic aortic aneurysm and aortic dissection. Last evaluated: 2025-06-11. Review status: criteria provided, single submitter. Criteria: ACMG Guidelines, 2015. Collection method: clinical testing. Allele origin: germline.

CeGaT Center for Human Genetics Tuebingen
Classification: Uncertain significance. Last evaluated: 2025-04-01. Review status: criteria provided, single submitter. Criteria: CeGaT Center For Human Genetics Tuebingen Variant Classification Criteria Version 2. Collection method: clinical testing. Allele origin: germline. Affected: yes. Observed: 1 variant allele.
Comment: MYH11: PM2, BP4

Ambry Genetics
Classification: Uncertain significance for Familial thoracic aortic aneurysm and aortic dissection. Last evaluated: 2024-04-13. Review status: criteria provided, single submitter. Criteria: Ambry Variant Classification Scheme 2023. Collection method: clinical testing. Allele origin: germline.
Comment: The p.A1097T variant (also known as c.3289G>A), located in coding exon 24 of the MYH11 gene, results from a G to A substitution at nucleotide position 3289. The alanine at codon 1097 is replaced by threonine, an amino acid with similar properties. This amino acid position is conserved. In addition, this alteration is predicted to be tolerated by in silico analysis. Based on the available evidence, the clinical significance of this variant remains unclear.

All of Us Research Program, National Institutes of Health
Classification: Uncertain significance for Familial thoracic aortic aneurysm and aortic dissection. Last evaluated: 2024-03-05. Review status: criteria provided, single submitter. Criteria: ACMG Guidelines, 2015. Collection method: clinical testing. Allele origin: germline. Inheritance: Autosomal dominant inheritance. Observed: 1 variant allele, 1 heterozygote.
Comment: This study involves interpretation of variants in research participants for the purpose of population health screening. Participant phenotype was not available at the time of variant classification. Additional details can be found in publication PMID: 35346344, PMCID: PMC8962531